The following is an entry in ClinVar:

NM_001972.4(ELANE):c.349G>C (p.Asp117His)

Gene: ELANE (elastase, neutrophil expressed; plus strand). Cytogenetic location: 19p13.3.
Variant type: single nucleotide variant.
Coding change: c.349G>C on transcript NM_001972.4 (MANE Select); coding-DNA position 349, G replaced by C.
Protein change: p.Asp117His; replaces aspartic acid 117 with histidine.
Molecular consequence: missense variant.
Genome position (GRCh38, 1-based): chr19:853,386, G>C. VCF-style: chr19-853386-G-C. GRCh37 (hg19) VCF-style: chr19-853386-G-C.
Other names: short protein forms D117H.
Identifiers: ClinVar variation 2141693 (VCV002141693.6), dbSNP rs1335324429, ClinGen allele CA402916360.

ClinVar aggregate classification (germline): Uncertain significance. Review status: criteria provided, multiple submitters, no conflicts (2 of 4 stars). 3 submissions from 3 submitters: Uncertain significance (3). Last evaluated 2024-12-21.

Conditions:
Neutropenia, severe congenital, 1, autosomal dominant. Identifiers: MedGen C1859966, MONDO:0042490, OMIM 202700.
Cyclical neutropenia. Also called: Cyclic hematopoiesis; Cyclic Neutropenia. Identifiers: Orphanet 2686, MedGen C0221023, MONDO:0008090, OMIM 162800, HP:0040289. Disease mechanism: loss of function.
Inborn genetic diseases. Identifiers: MedGen C0950123, MeSH D030342.

Submissions (3):

Ambry Genetics
Classification: Uncertain significance for Inborn genetic diseases. Last evaluated: 2024-12-21. Review status: criteria provided, single submitter. Criteria: Ambry Variant Classification Scheme 2023. Collection method: clinical testing. Allele origin: germline.
Comment: The p.D117H variant (also known as c.349G>C), located in coding exon 3 of the ELANE gene, results from a G to C substitution at nucleotide position 349. The aspartic acid at codon 117 is replaced by histidine, an amino acid with similar properties. This amino acid position is conserved. In addition, this alteration is predicted to be deleterious by in silico analysis. Based on the available evidence, the clinical significance of this variant remains unclear.

Revvity Omics, Revvity
Classification: Uncertain significance. Last evaluated: 2024-02-26. Review status: criteria provided, single submitter. Criteria: ACMG Guidelines, 2015. Collection method: clinical testing. Allele origin: germline.

Labcorp Genetics (formerly Invitae), Labcorp
Classification: Uncertain significance for Neutropenia, severe congenital, 1, autosomal dominant; Cyclical neutropenia. Last evaluated: 2022-06-30. Review status: criteria provided, single submitter. Criteria: Invitae Variant Classification Sherloc (09022015). Collection method: clinical testing. Allele origin: germline.
Comment: In summary, the available evidence is currently insufficient to determine the role of this variant in disease. Therefore, it has been classified as a Variant of Uncertain Significance. Algorithms developed to predict the effect of missense changes on protein structure and function are either unavailable or do not agree on the potential impact of this missense change (SIFT: "Deleterious"; PolyPhen-2: "Probably Damaging"; Align-GVGD: "Class C0"). This variant has not been reported in the literature in individuals affected with ELANE-related conditions. This variant is not present in population databases (gnomAD no frequency). This sequence change replaces aspartic acid, which is acidic and polar, with histidine, which is basic and polar, at codon 117 of the ELANE protein (p.Asp117His).